The following is an entry in ClinVar:

ClinVar aggregate classification (germline): Pathogenic (1 of 4 stars; one submission).

Submission:

GeneDx
Classification: Pathogenic. Last evaluated: 2025-08-07. Review status: criteria provided, single submitter. Criteria: GeneDx Variant Classification Process June 2021. Collection method: clinical testing. Allele origin: germline. Affected: yes.
Comment: Frameshift variant predicted to result in protein truncation or nonsense mediated decay in a gene for which loss of function is a known mechanism of disease; Not observed at significant frequency in large population cohorts (gnomAD); Has not been previously published as pathogenic or benign to our knowledge

NM_002715.4(PPP2CA):c.374_375insGA (p.Val126fs)

Gene: PPP2CA (protein phosphatase 2 catalytic subunit alpha; minus strand). Cytogenetic location: 5q31.1.
Variant type: Insertion.
Coding change: c.374_375insGA on transcript NM_002715.4 (MANE Select); coding-DNA positions 374 to 375, GA inserted.
Protein change: p.Val126fs; shifts the reading frame from valine 126.
Molecular consequence: frameshift variant. On other transcripts: non-coding transcript variant (1).
Genome position: GRCh38 VCF-style: chr5-134201959-T-TTC. GRCh37 (hg19) VCF-style: chr5-133537650-T-TTC.
Other names: c.179_180insGA, p.Val61fs (NM_001355019.2); short protein forms V126fs, V61fs.
Identifiers: ClinVar variation 4755652 (VCV004755652.1).
Genomic context (GRCh38, chr5:134,201,959, plus strand): 5'-ATATTTCCAAACATTTGCATTTCCATATTTTCTTAAACATTCATCATAGAAACCATAAAC[T>TTC]TGTGTGATCTGTCTGCTCTCATGATTCCCTCGAAGAATGGTGATGCGTTCACGGTAACGA-3'